The following is an entry in ClinVar:

NM_031308.4(EPPK1):c.4335C>T (p.His1445=)

Gene: EPPK1 (epiplakin 1; minus strand). Cytogenetic location: 8q24.3.
Variant type: single nucleotide variant.
Coding change: c.4335C>T on transcript NM_031308.4 (MANE Select); coding-DNA position 4335, C replaced by T.
Protein change: p.His1445=; no amino-acid change (histidine 1445 retained).
Molecular consequence: synonymous variant.
Genome position (GRCh38, 1-based): chr8:143,868,919, G>A on the plus strand (C>T on the coding strand, the complement: EPPK1 is on the minus strand). VCF-style: chr8-143868919-G-A. GRCh37 (hg19) VCF-style: chr8-144943087-G-A.
Identifiers: ClinVar variation 3030892 (VCV003030892.2), dbSNP rs1554660148, ClinGen allele CA463527358.
Genomic context (GRCh38, chr8:143,868,919, plus strand): 5'-ACACCCCTTAAACCTCCCTGTGCTGACGGGCACCTTCATGGCCCTCAGAGCCACCGCGGT[G>A]TGGTCGTCCACCTCAAGCACTGTGTCTGAGGGCAGTGGCAACAGCAACAATCCGGTCTCG-3'
Protein context (NP_112598.3, residues 1435-1455): PSDTVLEVDD[His1445=]TAVALRAMKV

ClinVar aggregate classification (germline): Likely benign (0 of 4 stars; one submission).

Conditions:
EPPK1-related disorder. Also called: EPPK1-related condition.

Allele frequency attached by ClinVar (database versions not stated): gnomAD exomes below 0.00001.

Submission:

PreventionGenetics, part of Exact Sciences
Classification: Likely benign for EPPK1-related condition. Last evaluated: 2021-04-22. Review status: no assertion criteria provided. Collection method: clinical testing. Allele origin: germline.
Comment: This variant is classified as likely benign based on ACMG/AMP sequence variant interpretation guidelines (Richards et al. 2015 PMID: 25741868, with internal and published modifications).